The following is an entry in ClinVar:

ClinVar aggregate classification (germline): Conflicting classifications of pathogenicity. Review status: criteria provided, conflicting classifications (1 of 4 stars). 5 submissions from 5 submitters: Likely pathogenic (1); Uncertain significance (1). 3 of the submissions do not count toward it. Last evaluated 2025-10-22.

Conditions:
Congenital microvillous atrophy (DIAR2). Also called: CONGENITAL FAMILIAL PROTRACTED DIARRHEA WITH ENTEROCYTE BRUSH-BORDER ABNORMALITIES; DAVIDSON DISEASE; MICROVILLUS ATROPHY, CONGENITAL; Microvillus inclusion disease; Diarrhea 2 with microvillus atrophy, with or without cholestasis. Identifiers: Orphanet 2290, MedGen C0341306, MONDO:0009635, OMIM 251850.

Allele frequency attached by ClinVar (database versions not stated): ExAC 0.00001; gnomAD exomes 0.00001.
gnomAD v4.1: 15 of 1,614,110 alleles (0.00093%); highest among the groups gnomAD compares: Non-Finnish European, 0.0011%; no homozygotes.

Submissions (5):

Sfax Medical Genetics Laboratory, Laboratoire Ksentini
Classification: Likely pathogenic for Congenital microvillous atrophy. Last evaluated: 2025-10-22. Review status: criteria provided, single submitter. Criteria: ACMG Guidelines, 2015. Collection method: clinical testing. Allele origin: germline. Inheritance: Autosomal recessive inheritance. Affected: yes. Observed: 1 homozygote.
Comment: The MYO5B:c.655C>T, p.(R219C) variant has been reported in the gnomAD database with a frequency of 0.0009% (PM2). Several pathogenicity prediction algorithms report this variant as deleterious (Revel: 0.95) (PP3_Strong). This variant has been reported, in homozygous and compound heterozygote state with another pathogenic variant, in an individual suffering from a pathology associated with the MYO5B gene (PMID:33525641, 37200712) (PM3). This variant results in a different amino acid change as a known pathogenic variant (MYO5B:c.656G>A, p.Arg219His, ClinVar VCV000803491.11) (PM5). In summary, this variant meets our criteria to be classified as ikely pathogenic. (PM2, PP3_Strong, PM3, PM5)

Labcorp Genetics (formerly Invitae), Labcorp
Classification: Uncertain significance. Last evaluated: 2022-04-30. Review status: criteria provided, single submitter. Criteria: Invitae Variant Classification Sherloc (09022015). Collection method: clinical testing. Allele origin: germline.
Comment: This sequence change replaces arginine, which is basic and polar, with cysteine, which is neutral and slightly polar, at codon 219 of the MYO5B protein (p.Arg219Cys). This variant is present in population databases (rs755378266, gnomAD 0.002%). This variant has not been reported in the literature in individuals affected with MYO5B-related conditions. ClinVar contains an entry for this variant (Variation ID: 1210059). Algorithms developed to predict the effect of missense changes on protein structure and function are either unavailable or do not agree on the potential impact of this missense change (SIFT: "Deleterious"; PolyPhen-2: "Probably Damaging"; Align-GVGD: "Class C0"). In summary, the available evidence is currently insufficient to determine the role of this variant in disease. Therefore, it has been classified as a Variant of Uncertain Significance.

Clinical Genetics DNA and cytogenetics Diagnostics Lab, Erasmus MC, Erasmus Medical Center
Classification: Uncertain significance. Review status: no assertion criteria provided. Collection method: clinical testing. Allele origin: germline. Affected: yes. Study: VKGL Data-share Consensus. Not counted in ClinVar's aggregate classification.

Genome Diagnostics Laboratory, Amsterdam University Medical Center
Classification: Uncertain significance. Review status: no assertion criteria provided. Collection method: clinical testing. Allele origin: germline. Affected: yes. Study: VKGL Data-share Consensus. Not counted in ClinVar's aggregate classification.

Genome Diagnostics Laboratory, University Medical Center Utrecht
Classification: Uncertain significance. Review status: no assertion criteria provided. Collection method: clinical testing. Allele origin: germline. Affected: yes. Study: VKGL Data-share Consensus. Not counted in ClinVar's aggregate classification.

Literature cited by the submitters: PubMed 33525641 (cited by Sfax Medical Genetics Laboratory, Laboratoire Ksentini); PubMed 37200712 (cited by Sfax Medical Genetics Laboratory, Laboratoire Ksentini).

NM_001080467.3(MYO5B):c.655C>T (p.Arg219Cys)

Gene: MYO5B (myosin VB; minus strand). Cytogenetic location: 18q21.1.
Variant type: single nucleotide variant.
Coding change: c.655C>T on transcript NM_001080467.3 (MANE Select); coding-DNA position 655, C replaced by T.
Protein change: p.Arg219Cys; replaces arginine 219 with cysteine.
Molecular consequence: missense variant.
Genome position (GRCh38, 1-based): chr18:49,992,389, G>A on the plus strand (C>T on the coding strand, the complement: MYO5B is on the minus strand). VCF-style: chr18-49992389-G-A. GRCh37 (hg19) VCF-style: chr18-47518759-G-A.
Other names: short protein forms R219C.
Identifiers: ClinVar variation 1210059 (VCV001210059.7), dbSNP rs755378266, ClinGen allele CA8961821.
Genomic context (GRCh38, chr18:49,992,389, plus strand): 5'-TGTTGGCCCCGATGATGTGGTACCTTTTGTCAAAGCCAATCTGGATGTACTTGCCAAAAC[G>A]GCTGCTGTTGTCATTGCGGGTGGTCTTGGCATTTCCAATGGCCTGCACAGACCAGACAGA-3'
Protein context (NP_001073936.1, residues 209-229): AKTTRNDNSS[Arg219Cys]FGKYIQIGFD